The following is an entry in ClinVar:

NM_001035.3(RYR2):c.5762G>A (p.Arg1921Gln)

Gene: RYR2 (ryanodine receptor 2; plus strand). Cytogenetic location: 1q43.
Variant type: single nucleotide variant.
Coding change: c.5762G>A on transcript NM_001035.3 (MANE Select); coding-DNA position 5762, G replaced by A.
Protein change: p.Arg1921Gln; replaces arginine 1921 with glutamine.
Molecular consequence: missense variant.
Genome position (GRCh38, 1-based): chr1:237,617,332, G>A. VCF-style: chr1-237617332-G-A. GRCh37 (hg19) VCF-style: chr1-237780632-G-A.
Other names: p.R1921Q:CGG>CAG; c.5762G>A, p.Arg1921Gln (LRG_402t1); short protein forms R1921Q.
Identifiers: ClinVar variation 201259 (VCV000201259.18), dbSNP rs370568809, ClinGen allele CA010021.

ClinVar aggregate classification (germline): Uncertain significance. Review status: criteria provided, multiple submitters, no conflicts (2 of 4 stars). 6 submissions from 6 submitters: Uncertain significance (6). Last evaluated 2025-11-21.

Conditions:
Catecholaminergic polymorphic ventricular tachycardia (CVPT). Also called: Catecholamine-induced polymorphic ventricular tachycardia. Identifiers: Orphanet 3286, MedGen C5574922, MONDO:0017990.
Catecholaminergic polymorphic ventricular tachycardia 1. Also called: RYR2-Related Catecholaminergic Polymorphic Ventricular Tachycardia; VENTRICULAR TACHYCARDIA, CATECHOLAMINERGIC POLYMORPHIC, 1, WITH OR WITHOUT ATRIAL DYSFUNCTION AND/OR DILATED CARDIOMYOPATHY; VENTRICULAR TACHYCARDIA, STRESS-INDUCED POLYMORPHIC 1. Identifiers: Orphanet 3286, MedGen C1631597, MONDO:0011484, OMIM 604772.
Cardiomyopathy (CMYO). Also called: Cardiomyopathies. Identifiers: Orphanet 167848, MedGen C0878544, MONDO:0004994, HP:0001638. Inheritance: Various modes of inheritance.

Allele frequency attached by ClinVar (database versions not stated): gnomAD exomes 0.00002 and 0.00004; TOPMed 0.00002; gnomAD 0.00003; ExAC 0.00004; ESP Exome Variant Server 0.00008.
gnomAD v4.1: 57 of 1,613,634 alleles (0.0035%); highest among the groups gnomAD compares: Non-Finnish European, 0.0043%; no homozygotes.

Submissions (6):

Labcorp Genetics (formerly Invitae), Labcorp
Classification: Uncertain significance for Catecholaminergic polymorphic ventricular tachycardia 1. Last evaluated: 2025-11-21. Review status: criteria provided, single submitter. Criteria: Invitae Variant Classification Sherloc (09022015). Collection method: clinical testing. Allele origin: germline.
Comment: This sequence change replaces arginine, which is basic and polar, with glutamine, which is neutral and polar, at codon 1921 of the RYR2 protein (p.Arg1921Gln). This variant is present in population databases (rs370568809, gnomAD 0.004%). This missense change has been observed in individual(s) with sudden death (PMID: 29544603, 32152366). ClinVar contains an entry for this variant (Variation ID: 201259). Invitae Evidence Modeling of protein sequence and biophysical properties (such as structural, functional, and spatial information, amino acid conservation, physicochemical variation, residue mobility, and thermodynamic stability) has been performed for this missense variant. However, the output from this modeling did not meet the statistical confidence thresholds required to predict the impact of this variant on RYR2 protein function. In summary, the available evidence is currently insufficient to determine the role of this variant in disease. Therefore, it has been classified as a Variant of Uncertain Significance.

All of Us Research Program, National Institutes of Health
Classification: Uncertain significance for Catecholaminergic polymorphic ventricular tachycardia. Last evaluated: 2024-08-23. Review status: criteria provided, single submitter. Criteria: ACMG Guidelines, 2015. Collection method: clinical testing. Allele origin: germline. Inheritance: Autosomal dominant inheritance. Observed: 11 variant alleles, 11 heterozygotes.
Comment: This missense variant replaces arginine with glutamine at codon 1921 of the RYR2 protein. Computational prediction suggests that this variant may have deleterious impact on protein structure and function (internally defined REVEL score threshold >= 0.7, PMID: 27666373). Splice site prediction tools suggest that this variant may not impact RNA splicing. To our knowledge, functional studies have not been performed for this variant. This variant has not been reported in individuals affected with cardiovascular disorders in the literature. This variant has been identified in 4/248470 chromosomes in the general population by the Genome Aggregation Database (gnomAD). The available evidence is insufficient to determine the role of this variant in disease conclusively. Therefore, this variant is classified as a Variant of Uncertain Significance.

This study involves interpretation of variants in research participants for the purpose of population health screening. Participant phenotype was not available at the time of variant classification. Additional details can be found in publication PMID: 35346344, PMCID: PMC8962531

Color Diagnostics, LLC DBA Color Health
Classification: Uncertain significance for Cardiomyopathy. Last evaluated: 2024-05-15. Review status: criteria provided, single submitter. Criteria: ACMG Guidelines, 2015. Collection method: clinical testing. Allele origin: germline.
Comment: This missense variant replaces arginine with glutamine at codon 1921 of the RYR2 protein. Computational prediction is inconclusive regarding the impact of this variant on protein structure and function (internally defined REVEL score threshold 0.5 < inconclusive < 0.7, PMID: 27666373). To our knowledge, functional studies have not been reported for this variant. This variant has been reported in individual(s) with sudden death (PMID: 29544603, 32152366). This variant has been identified in 4/248470 chromosomes in the general population by the Genome Aggregation Database (gnomAD). The available evidence is insufficient to determine the role of this variant in disease conclusively. Therefore, this variant is classified as a Variant of Uncertain Significance.

Women's Health and Genetics/Laboratory Corporation of America, LabCorp
Classification: Uncertain significance. Last evaluated: 2023-02-06. Review status: criteria provided, single submitter. Criteria: LabCorp Variant Classification Summary - May 2015. Collection method: clinical testing. Allele origin: germline.
Comment: Variant summary: RYR2 c.5762G>A (p.Arg1921Gln) results in a conservative amino acid change in the encoded protein sequence. Four of five in-silico tools predict a damaging effect of the variant on protein function. The variant allele was found at a frequency of 1.6e-05 in 248470 control chromosomes (gnomAD). The available data on variant occurrences in the general population are insufficient to allow any conclusion about variant significance. c.5762G>A has been reported in the literature in individuals who suffered a sudden cardiac death, but with no additional clinical phenotype determined/reported and without strong evidence for causality (Papadakis_2018, Olubando_2020). These reports do not provide unequivocal conclusions about association of the variant with Catecholaminergic Polymorphic Ventricular Tachycardia With Sudden Cardiac Death. To our knowledge, no experimental evidence demonstrating an impact on protein function has been reported. Four clinical diagnostic laboratories have submitted clinical-significance assessments for this variant to ClinVar after 2014 and all classified the variant as uncertain significance. Based on the evidence outlined above, the variant was classified as uncertain significance.

AiLife Diagnostics
Classification: Uncertain significance. Last evaluated: 2021-09-17. Review status: criteria provided, single submitter. Criteria: ACMG Guidelines, 2015. Collection method: clinical testing. Allele origin: germline. Affected: yes. Observed: 1 variant allele.

GeneDx
Classification: Uncertain significance. Last evaluated: 2016-12-09. Review status: criteria provided, single submitter. Criteria: GeneDx Variant Classification (06012015). Collection method: clinical testing. Allele origin: germline. Affected: yes.
Comment: p.Arg1921Gln (CGG>CAG): c.5762 G>A in exon 38 of the RYR2 gene (NM_001035.2). The R1921Q variant has not been published as a mutation, nor has it been reported as a benign polymorphism to our knowledge. The R1921Q variant was not observed with any significant frequency in approximately 6000 individuals of European and African American ancestry in the NHLBI Exome Sequencing Project, indicating it is not a common benign variant in these populations. The R1921Q variant is a semi-conservative amino acid substitution, which may impact secondary protein structure as these residues differ in some properties. This substitution occurs at a position in the cytoplasmic domain that is conserved across species. In silico analysis predicts this variant is probably damaging to the protein structure/function. However, missense mutations in nearby residues have not been reported, indicating this region of the protein may tolerate change. Therefore, based on the currently available information, it is unclear whether this variant is a pathogenic mutation or a rare benign variant. Catecholaminergic Polymorphic Ventricular Tachycardia (CPVT) is characterized by syncope, typically beginning in the first decade of life, which may be triggered by physical activity or intense emotion. In patients with CPVT, stress-induced release of catecholamines causes a dysfunction of the calcium-ion channel in the myocytes (De La Fuente et al., 2008; Napolitano C et al., 2012; Priori S et al., 2002). Approximately 50% of patients with autosomal dominant CPVT have been reported to have a mutation in the RYR2 gene, while mutations in the RYR2 gene associated with ARVC are rare (McNally E et al., 2009; Napolitano C et al., 2012). The variant is found in POSTMORTEM panel(s).

Literature cited by the submitters: PubMed 29544603 (cited by 3 submitters); PubMed 32152366 (cited by 3 submitters).